The following is an entry in ClinVar:

ClinVar aggregate classification (germline): Likely benign (1 of 4 stars; one submission).

Conditions:
Hereditary diffuse gastric adenocarcinoma (HDGC). Also called: DIFFUSE GASTRIC AND LOBULAR BREAST CANCER SYNDROME. Identifiers: Orphanet 26106, MedGen C1708349, MONDO:0007648, OMIM 137215.

Submission:

Myriad Genetics, Inc.
Classification: Likely benign for Hereditary diffuse gastric adenocarcinoma. Last evaluated: 2024-10-15. Review status: criteria provided, single submitter. Criteria: Myriad Autosomal Dominant, Autosomal Recessive and X-Linked Classification Criteria (2023). Collection method: clinical testing. Allele origin: unknown.
Comment: This variant is considered likely benign. This variant is intronic and is not expected to impact mRNA splicing.

NM_001903.5(CTNNA1):c.2433+6C>T

Gene: CTNNA1 (catenin alpha 1; plus strand). Cytogenetic location: 5q31.2.
Variant type: single nucleotide variant.
Coding change: c.2433+6C>T on transcript NM_001903.5 (MANE Select); 6 bases into the intron after coding-DNA position 2433, C replaced by T.
Molecular consequence: intron variant.
Genome position (GRCh38, 1-based): chr5:138,932,718, C>T. VCF-style: chr5-138932718-C-T. GRCh37 (hg19) VCF-style: chr5-138268407-C-T.
Other names: c.2433+6C>T (NM_001323982.2, NM_001323984.2, NM_001290307.3 and 2 more transcripts); c.2340+6C>T (NM_001323986.2); c.2064+6C>T (NM_001290310.3); c.2124+6C>T (NM_001290309.3); c.1323+6C>T (NM_001323996.1, NM_001323993.1, NM_001324005.1 and 16 more transcripts); c.984+6C>T (NM_001324007.1, NM_001324009.1, NM_001324006.1 and 2 more transcripts); c.1080+6C>T (NM_001324013.1, NM_001324012.1); c.1189-1084C>T (NM_001324001.1); and 1 more.
Identifiers: ClinVar variation 3773473 (VCV003773473.1).
Genomic context (GRCh38, chr5:138,932,718, plus strand): 5'-CAGCAAGGTCAAGGCCGAGGTGCAGAATCTCGGCGGGGAGCTTGTTGTCTCTGGGGTAAG[C>T]ATTAGCTGAACAAAAAGAGGGCCAGTGGGAACGTGCTGACCCTTGTCAGAAATGAAAGTC-3'